The following is an entry in ClinVar:

ClinVar aggregate classification (germline): Uncertain significance. Review status: criteria provided, multiple submitters, no conflicts (2 of 4 stars). 2 submissions from 2 submitters: Uncertain significance (2). Last evaluated 2025-12-19.

Conditions:
Kleefstra syndrome 1 (KLEFS1). Identifiers: Orphanet 261494, MedGen C0795833, MONDO:0027407, OMIM 610253.

Allele frequency attached by ClinVar (database versions not stated): gnomAD exomes below 0.00001.
gnomAD v4.1: 4 of 1,613,182 alleles (0.00025%); highest among the groups gnomAD compares: South Asian, 0.0011%; no homozygotes.

Submissions (2):

Labcorp Genetics (formerly Invitae), Labcorp
Classification: Uncertain significance for Kleefstra syndrome 1. Last evaluated: 2025-12-19. Review status: criteria provided, single submitter. Criteria: Invitae Variant Classification Sherloc (09022015). Collection method: clinical testing. Allele origin: germline.
Comment: This sequence change replaces arginine, which is basic and polar, with glutamine, which is neutral and polar, at codon 1190 of the EHMT1 protein (p.Arg1190Gln). This variant is not present in population databases (gnomAD no frequency). This variant has not been reported in the literature in individuals affected with EHMT1-related conditions. ClinVar contains an entry for this variant (Variation ID: 281908). Invitae Evidence Modeling of protein sequence and biophysical properties (such as structural, functional, and spatial information, amino acid conservation, physicochemical variation, residue mobility, and thermodynamic stability) indicates that this missense variant is not expected to disrupt EHMT1 protein function with a negative predictive value of 80%. In summary, the available evidence is currently insufficient to determine the role of this variant in disease. Therefore, it has been classified as a Variant of Uncertain Significance.

Eurofins Ntd Llc (ga)
Classification: Uncertain significance. Last evaluated: 2015-07-02. Review status: criteria provided, single submitter. Criteria: EGL Classification Definitions 2015. Collection method: clinical testing. Allele origin: germline. Observed: 2 variant alleles, 2 heterozygotes.

NM_024757.5(EHMT1):c.3569G>A (p.Arg1190Gln)

Gene: EHMT1 (euchromatic histone lysine methyltransferase 1; plus strand). Cytogenetic location: 9q34.3.
Variant type: single nucleotide variant.
Coding change: c.3569G>A on transcript NM_024757.5 (MANE Select); coding-DNA position 3569, G replaced by A.
Protein change: p.Arg1190Gln; replaces arginine 1190 with glutamine.
Molecular consequence: missense variant.
Genome position (GRCh38, 1-based): chr9:137,834,377, G>A. VCF-style: chr9-137834377-G-A. GRCh37 (hg19) VCF-style: chr9-140728829-G-A.
Other names: c.3548G>A, p.Arg1183Gln (NM_001354263.2); short protein forms R1190Q, R1183Q.
Identifiers: ClinVar variation 281908 (VCV000281908.10), dbSNP rs886042261, ClinGen allele CA10604000.